The following is an entry in ClinVar:

ClinVar aggregate classification (germline): Uncertain significance. Review status: criteria provided, multiple submitters, no conflicts (2 of 4 stars). 5 submissions from 5 submitters: Uncertain significance (4). 1 of the submissions does not count toward it. Last evaluated 2024-11-05.

Conditions:
NPHP3-related disorder. Also called: NPHP3-related condition; NPHP3-related disorders. Identifiers: MedGen CN379163.
Nephronophthisis. Also called: Juvenile Nephronophthisis. Identifiers: Orphanet 655, MedGen C0687120, MONDO:0019005, HP:0000090.
Inborn genetic diseases. Identifiers: MedGen C0950123, MeSH D030342.
NPHP3-related Meckel-like syndrome. Also called: Meckel syndrome type 7; GOLDSTON SYNDROME. Identifiers: Orphanet 3032, MedGen C2673885, MONDO:0009966, OMIM 267010.
Nephronophthisis 3 (NPHP3). Also called: Adolescent nephronophthisis. Identifiers: Orphanet 655, MedGen C1858392, MONDO:0011456, OMIM 604387.
Renal-hepatic-pancreatic dysplasia 1 (RHPD1). Identifiers: MedGen C3715199, MONDO:0008833, OMIM 208540.

Allele frequency attached by ClinVar (database versions not stated): ExAC 0.00001; gnomAD 0.00001; TOPMed 0.00002.
gnomAD v4.1: 34 of 1,611,168 alleles (0.0021%); highest among the groups gnomAD compares: Non-Finnish European, 0.0029%; no homozygotes.

Submissions (5):

Labcorp Genetics (formerly Invitae), Labcorp
Classification: Uncertain significance for Nephronophthisis. Last evaluated: 2024-11-05. Review status: criteria provided, single submitter. Criteria: Invitae Variant Classification Sherloc (09022015). Collection method: clinical testing. Allele origin: germline.
Comment: This sequence change replaces proline, which is neutral and non-polar, with threonine, which is neutral and polar, at codon 552 of the NPHP3 protein (p.Pro552Thr). This variant is present in population databases (rs776287337, gnomAD 0.004%). This variant has not been reported in the literature in individuals affected with NPHP3-related conditions. ClinVar contains an entry for this variant (Variation ID: 1427744). Invitae Evidence Modeling of protein sequence and biophysical properties (such as structural, functional, and spatial information, amino acid conservation, physicochemical variation, residue mobility, and thermodynamic stability) has been performed for this missense variant. However, the output from this modeling did not meet the statistical confidence thresholds required to predict the impact of this variant on NPHP3 protein function. In summary, the available evidence is currently insufficient to determine the role of this variant in disease. Therefore, it has been classified as a Variant of Uncertain Significance.

Blueprint Genetics
Classification: Uncertain significance. Last evaluated: 2024-09-30. Review status: criteria provided, single submitter. Criteria: ACMG Guidelines, 2015. Collection method: clinical testing. Allele origin: germline.

Fulgent Genetics
Classification: Uncertain significance for Renal-hepatic-pancreatic dysplasia 1; NPHP3-related Meckel-like syndrome; Nephronophthisis 3. Last evaluated: 2024-04-22. Review status: criteria provided, single submitter. Criteria: ACMG Guidelines, 2015. Collection method: clinical testing. Allele origin: germline.

Ambry Genetics
Classification: Uncertain significance for Inborn genetic diseases. Last evaluated: 2022-01-07. Review status: criteria provided, single submitter. Criteria: Ambry Variant Classification Scheme 2023. Collection method: clinical testing. Allele origin: germline.

PreventionGenetics, part of Exact Sciences
Classification: Uncertain significance for NPHP3-related condition. Last evaluated: 2024-03-09. Review status: no assertion criteria provided. Collection method: clinical testing. Allele origin: germline. Not counted in ClinVar's aggregate classification.
Comment: The NPHP3 c.1654C>A variant is predicted to result in the amino acid substitution p.Pro552Thr. To our knowledge, this variant has not been reported in the literature. This variant is reported in 0.0026% of alleles in individuals of European (Non-Finnish) descent in gnomAD. At this time, the clinical significance of this variant is uncertain due to the absence of conclusive functional and genetic evidence.

NM_153240.5(NPHP3):c.1654C>A (p.Pro552Thr)

Genes: NPHP3 (nephrocystin 3; minus strand), NPHP3-ACAD11 (NPHP3-ACAD11 readthrough (NMD candidate); minus strand). Cytogenetic location: 3q22.1.
Variant type: single nucleotide variant.
Coding change: c.1654C>A on transcript NM_153240.5 (MANE Select); coding-DNA position 1654, C replaced by A.
Protein change: p.Pro552Thr; replaces proline 552 with threonine.
Molecular consequence: missense variant. On other transcripts: non-coding transcript variant (1).
Genome position (GRCh38, 1-based): chr3:132,700,423, G>T on the plus strand (C>A on the coding strand, the complement: NPHP3 is on the minus strand). VCF-style: chr3-132700423-G-T. GRCh37 (hg19) VCF-style: chr3-132419267-G-T.
Other names: c.1654C>A (NM_153240.4); short protein forms P552T.
Identifiers: ClinVar variation 1427744 (VCV001427744.9), dbSNP rs776287337, ClinGen allele CA2622236.